The following is an entry in ClinVar:

ClinVar aggregate classification (germline): Benign. Review status: criteria provided, multiple submitters, no conflicts (2 of 4 stars). 11 submissions from 11 submitters: Benign (8). 3 of the submissions do not count toward it. Last evaluated 2026-02-04.

Conditions:
Bardet-Biedl syndrome (BBS). Identifiers: Orphanet 110, MedGen C0752166, MONDO:0015229.
Bardet-Biedl syndrome 12 (BBS12). Identifiers: Orphanet 110, MedGen C1859570, MONDO:0014440, OMIM 615989.
Bardet-Biedl syndrome 1 (BBS1). Identifiers: MedGen C2936862, MONDO:0008854, OMIM 209900. Disease mechanism: loss of function.

Allele frequency attached by ClinVar (database versions not stated): 1000 Genomes Project 0.02895; gnomAD 0.02988 and 0.03153; 1000 Genomes Project 30x 0.03154; TOPMed 0.03183; ESP Exome Variant Server 0.03637.
gnomAD v4.1: 30,675 of 1,614,124 alleles (1.9%); highest among the groups gnomAD compares: African/African-American, 6.6%; 473 homozygotes.

Submissions (11):

Labcorp Genetics (formerly Invitae), Labcorp
Classification: Benign for Bardet-Biedl syndrome. Last evaluated: 2026-02-04. Review status: criteria provided, single submitter. Criteria: Invitae Variant Classification Sherloc (09022015). Collection method: clinical testing. Allele origin: germline.

Blueprint Genetics
Classification: Benign. Last evaluated: 2024-11-25. Review status: criteria provided, single submitter. Criteria: ACMG Guidelines, 2015. Collection method: clinical testing. Allele origin: germline.

Mayo Clinic Laboratories, Mayo Clinic
Classification: Benign. Last evaluated: 2023-01-09. Review status: criteria provided, single submitter. Criteria: ACMG Guidelines, 2015. Collection method: clinical testing. Allele origin: germline. Observed: 8 variant alleles.

GeneDx
Classification: Benign. Last evaluated: 2021-05-04. Review status: criteria provided, single submitter. Criteria: GeneDx Variant Classification Process June 2021. Collection method: clinical testing. Allele origin: germline. Affected: yes.

Illumina Laboratory Services, Illumina
Classification: Benign for Bardet-Biedl syndrome 12. Last evaluated: 2018-01-13. Review status: criteria provided, single submitter. Criteria: ICSL Variant Classification Criteria 13 December 2019. Collection method: clinical testing. Allele origin: germline.
Comment: This variant was observed in the ICSL laboratory as part of a predisposition screen in an ostensibly healthy population. It had not been previously curated by ICSL or reported in the Human Gene Mutation Database (HGMD: prior to June 1st, 2018), and was therefore a candidate for classification through an automated scoring system. Utilizing variant allele frequency, disease prevalence and penetrance estimates, and inheritance mode, an automated score was calculated to assess if this variant is too frequent to cause the disease. Based on the score and internal cut-off values, a variant classified as benign is not then subjected to further curation. The score for this variant resulted in a classification of benign for this disease.

Clinical Genetics DNA and cytogenetics Diagnostics Lab, Erasmus MC, Erasmus Medical Center
Classification: Benign for Bardet-Biedl syndrome 1. Last evaluated: 2015-09-21. Review status: criteria provided, single submitter. Criteria: ACGS Guidelines, 2013. Collection method: clinical testing. Allele origin: germline. Affected: yes. Study: VKGL Data-share Consensus.

Breakthrough Genomics
Classification: Benign. Review status: criteria provided, single submitter. Criteria: ACMG Guidelines, 2015. Collection method: not provided. Allele origin: germline. Inheritance: Autosomal recessive inheritance. Affected: yes.

PreventionGenetics, part of Exact Sciences
Classification: Benign. Review status: criteria provided, single submitter. Criteria: ACMG Guidelines, 2015. Collection method: clinical testing. Allele origin: germline.

Natera, Inc.
Classification: Benign for Bardet-Biedl syndrome type 12. Last evaluated: 2020-09-16. Review status: no assertion criteria provided. Collection method: clinical testing. Allele origin: germline. Not counted in ClinVar's aggregate classification.

Genome Diagnostics Laboratory, Amsterdam University Medical Center
Classification: Benign for Bardet-Biedl syndrome 1. Last evaluated: 2017-04-19. Review status: no assertion criteria provided. Criteria: ACGS Guidelines, 2013. Collection method: clinical testing. Allele origin: germline. Affected: yes. Study: VKGL Data-share Consensus. Not counted in ClinVar's aggregate classification.

Joint Genome Diagnostic Labs from Nijmegen and Maastricht, Radboudumc and MUMC+
Classification: Benign. Review status: no assertion criteria provided. Collection method: clinical testing. Allele origin: germline. Affected: yes. Study: VKGL Data-share Consensus. Not counted in ClinVar's aggregate classification.

NM_152618.3(BBS12):c.1062G>C (p.Val354=)

Gene: BBS12 (Bardet-Biedl syndrome 12; plus strand). Cytogenetic location: 4q27.
Variant type: single nucleotide variant.
Coding change: c.1062G>C on transcript NM_152618.3 (MANE Select); coding-DNA position 1062, G replaced by C.
Protein change: p.Val354=; no amino-acid change (valine 354 retained).
Molecular consequence: synonymous variant.
Genome position (GRCh38, 1-based): chr4:122,742,954, G>C. VCF-style: chr4-122742954-G-C. GRCh37 (hg19) VCF-style: chr4-123664109-G-C.
Other names: p.Val354=; c.1062G>C, p.Val354= (NM_001178007.2).
Identifiers: ClinVar variation 262668 (VCV000262668.25), dbSNP rs34296401, ClinGen allele CA3069367.